The following is an entry in ClinVar:

ClinVar aggregate classification (germline): Pathogenic (1 of 4 stars; one submission).

Submission:

Labcorp Genetics (formerly Invitae), Labcorp
Classification: Pathogenic. Last evaluated: 2022-02-06. Review status: criteria provided, single submitter. Criteria: Invitae Variant Classification Sherloc (09022015). Collection method: clinical testing. Allele origin: germline.
Comment: For these reasons, this variant has been classified as Pathogenic. This variant has not been reported in the literature in individuals affected with HPS1-related conditions. This variant is not present in population databases (gnomAD no frequency). This sequence change creates a premature translational stop signal (p.Glu9*) in the HPS1 gene. It is expected to result in an absent or disrupted protein product. Loss-of-function variants in HPS1 are known to be pathogenic (PMID: 12442288, 16185271).

Literature cited by the submitters: PubMed 12442288; PubMed 16185271.

NM_000195.5(HPS1):c.25G>T (p.Glu9Ter)

Gene: HPS1 (HPS1 biogenesis of lysosomal organelles complex 3 subunit 1; minus strand). Cytogenetic location: 10q24.2.
Variant type: single nucleotide variant.
Coding change: c.25G>T on transcript NM_000195.5 (MANE Select); coding-DNA position 25, G replaced by T.
Protein change: p.Glu9Ter; replaces glutamic acid 9 with a stop codon.
Molecular consequence: nonsense. On other transcripts: 5 prime UTR variant (6).
Genome position (GRCh38, 1-based): chr10:98,443,216, C>A on the plus strand (G>T on the coding strand, the complement: HPS1 is on the minus strand). VCF-style: chr10-98443216-C-A. GRCh37 (hg19) VCF-style: chr10-100202973-C-A.
Other names: c.-892G>T (NM_001311345.2); c.25G>T, p.Glu9Ter (NM_001322476.2, NM_001322477.2, NM_001322478.2 and 8 more transcripts); c.-202G>T (NM_001322483.2, NM_001322484.2, NM_001322485.2); c.-991G>T (NM_001322487.2); c.-749G>T (NM_001322489.2); short protein forms E9*.
Identifiers: ClinVar variation 2094297 (VCV002094297.4), dbSNP rs2539078287, ClinGen allele CA378057205.